The following is an entry in ClinVar:

NM_018993.4(RIN2):c.100G>A (p.Glu34Lys)

Gene: RIN2 (Ras and Rab interactor 2; plus strand). Cytogenetic location: 20p11.23.
Variant type: single nucleotide variant.
Coding change: c.100G>A on transcript NM_018993.4 (MANE Select); coding-DNA position 100, G replaced by A.
Protein change: p.Glu34Lys; replaces glutamic acid 34 with lysine.
Molecular consequence: missense variant. On other transcripts: 5 prime UTR variant (1).
Genome position (GRCh38, 1-based): chr20:19,935,141, G>A. VCF-style: chr20-19935141-G-A. GRCh37 (hg19) VCF-style: chr20-19915785-G-A.
Other names: c.247G>A, p.Glu83Lys (NM_001242581.2); c.-446G>A (NM_001378238.1); short protein forms E83K, E34K.
Identifiers: ClinVar variation 4723282 (VCV004723282.1).

ClinVar aggregate classification (germline): Uncertain significance (1 of 4 stars; one submission).

Submission:

Labcorp Genetics (formerly Invitae), Labcorp
Classification: Uncertain significance. Last evaluated: 2025-07-15. Review status: criteria provided, single submitter. Criteria: Invitae Variant Classification Sherloc (09022015). Collection method: clinical testing. Allele origin: germline.
Comment: This sequence change replaces glutamic acid, which is acidic and polar, with lysine, which is basic and polar, at codon 34 of the RIN2 protein (p.Glu34Lys). This variant is not present in population databases (gnomAD no frequency). This variant has not been reported in the literature in individuals affected with RIN2-related conditions. Experimental studies and prediction algorithms are not available or were not evaluated, and the functional significance of this variant is currently unknown. In summary, the available evidence is currently insufficient to determine the role of this variant in disease. Therefore, it has been classified as a Variant of Uncertain Significance.